The following is an entry in ClinVar:

ClinVar aggregate classification (germline): Uncertain significance (1 of 4 stars; one submission).

Conditions:
PCNT-related disorder. Also called: PCNT-related condition.

gnomAD v4.1: 5 of 1,610,124 alleles (0.00031%); highest among the groups gnomAD compares: Non-Finnish European, 0.00042%; no homozygotes.

Submission:

PreventionGenetics, part of Exact Sciences
Classification: Uncertain significance for PCNT-related condition. Last evaluated: 2026-08-21. Review status: criteria provided, single submitter. Criteria: ACMG Guidelines, 2015. Collection method: clinical testing. Allele origin: germline.
Comment: The PCNT c.5398G>A variant is predicted to result in the amino acid substitution p.Glu1800Lys. To our knowledge, this variant has not been reported in the literature. This variant is reported in 0.00094% of alleles in individuals of European (Non-Finnish) descent in gnomAD. At this time, the clinical significance of this variant is uncertain due to the absence of conclusive functional and genetic evidence.

NM_006031.6(PCNT):c.5398G>A (p.Glu1800Lys)

Gene: PCNT (pericentrin; plus strand). Cytogenetic location: 21q22.3.
Variant type: single nucleotide variant.
Coding change: c.5398G>A on transcript NM_006031.6 (MANE Select); coding-DNA position 5398, G replaced by A.
Protein change: p.Glu1800Lys; replaces glutamic acid 1800 with lysine.
Molecular consequence: missense variant.
Genome position (GRCh38, 1-based): chr21:46,411,471, G>A. VCF-style: chr21-46411471-G-A. GRCh37 (hg19) VCF-style: chr21-47831385-G-A.
Other names: c.5044G>A, p.Glu1682Lys (NM_001315529.2); short protein forms E1682K, E1800K.
Identifiers: ClinVar variation 4987331 (VCV004987331.1).